The following is an entry in ClinVar:

ClinVar aggregate classification (germline): Benign/Likely benign. Review status: criteria provided, multiple submitters, no conflicts (2 of 4 stars). 8 submissions from 8 submitters: Benign (1); Likely benign (7). Last evaluated 2026-05-20.

Conditions:
NF1-related disorder. Also called: NF1-related condition. Identifiers: MedGen CN379171.
Hereditary cancer-predisposing syndrome. Also called: Neoplastic Syndromes, Hereditary; Tumor predisposition; Hereditary Cancer Syndrome; Hereditary neoplastic syndrome. Identifiers: Orphanet 140162, MedGen C0027672, MeSH D009386, MONDO:0015356.
Neurofibromatosis, type 1 (NF1). Also called: NEUROFIBROMATOSIS, TYPE I, SOMATIC; Peripheral type neurofibromatosis; Neurofibromatosis, type I; VON RECKLINGHAUSEN DISEASE. Identifiers: Orphanet 636, MedGen C0027831, MONDO:0018975, OMIM 162200. Disease mechanism: loss of function.
Neurofibromatosis, familial spinal (FSNF). Identifiers: Orphanet 636, MedGen C1834235, MONDO:0008078, OMIM 162210. Disease mechanism: loss of function.
Juvenile myelomonocytic leukemia (JMML). Also called: LEUKEMIA, JUVENILE MYELOMONOCYTIC, SOMATIC. Identifiers: Orphanet 86834, MedGen C0349639, MONDO:0011908, OMIM 607785, HP:0012209.
Neurofibromatosis-Noonan syndrome (NFNS). Also called: NEUROFIBROMATOSIS WITH NOONAN PHENOTYPE. Identifiers: Orphanet 638, MedGen C2931482, MONDO:0011035, OMIM 601321. Disease mechanism: loss of function.
Café-au-lait macules with pulmonary stenosis (WTSN). Also called: PULMONIC STENOSIS WITH CAFE-AU-LAIT SPOTS. Identifiers: MedGen C0553586, MONDO:0008672, OMIM 193520.

Allele frequency attached by ClinVar (database versions not stated): gnomAD exomes below 0.00001; gnomAD 0.00001; TOPMed 0.00002.
gnomAD v4.1: 3 of 1,614,072 alleles (0.00019%); highest among the groups gnomAD compares: Admixed American, 0.0017%; no homozygotes.

Submissions (8):

Myriad Genetics, Inc.
Classification: Benign for Neurofibromatosis, type 1. Last evaluated: 2026-05-20. Review status: criteria provided, single submitter. Criteria: Myriad Autosomal Dominant, Autosomal Recessive and X-Linked Classification Criteria (2023). Collection method: clinical testing. Allele origin: unknown.
Comment: This variant is considered benign. This variant is a silent/synonymous amino acid change and it is not expected to impact splicing.

Labcorp Genetics (formerly Invitae), Labcorp
Classification: Likely benign for Neurofibromatosis, type 1. Last evaluated: 2025-08-09. Review status: criteria provided, single submitter. Criteria: Invitae Variant Classification Sherloc (09022015). Collection method: clinical testing. Allele origin: germline.

PreventionGenetics, part of Exact Sciences
Classification: Likely benign for NF1-related condition. Last evaluated: 2025-07-09. Review status: criteria provided, single submitter. Criteria: ACMG Guidelines, 2015. Collection method: clinical testing. Allele origin: germline.
Comment: This variant is classified as likely benign based on ACMG/AMP sequence variant interpretation guidelines (Richards et al. 2015 PMID: 25741868, with internal and published modifications).

Genome-Nilou Lab
Classification: Likely benign for Neurofibromatosis, type 1. Last evaluated: 2022-03-15. Review status: criteria provided, single submitter. Criteria: ACMG Guidelines, 2015. Collection method: clinical testing. Allele origin: germline. Affected: no.

Fulgent Genetics
Classification: Likely benign for Neurofibromatosis, type 1; Neurofibromatosis, familial spinal; Café-au-lait macules with pulmonary stenosis; Neurofibromatosis-Noonan syndrome; Juvenile myelomonocytic leukemia. Last evaluated: 2021-12-13. Review status: criteria provided, single submitter. Criteria: ACMG Guidelines, 2015. Collection method: clinical testing. Allele origin: unknown.

Sema4
Classification: Likely benign for Hereditary cancer-predisposing syndrome. Last evaluated: 2021-12-08. Review status: criteria provided, single submitter. Criteria: Sema4 Curation Guidelines. Collection method: curation. Allele origin: germline.

GeneDx
Classification: Likely benign. Last evaluated: 2018-02-14. Review status: criteria provided, single submitter. Criteria: GeneDx Variant Classification (06012015). Collection method: clinical testing. Allele origin: germline. Affected: yes.
Comment: This variant is considered likely benign or benign based on one or more of the following criteria: it is a conservative change, it occurs at a poorly conserved position in the protein, it is predicted to be benign by multiple in silico algorithms, and/or has population frequency not consistent with disease.

Ambry Genetics
Classification: Likely benign for Hereditary cancer-predisposing syndrome. Last evaluated: 2015-05-05. Review status: criteria provided, single submitter. Criteria: Ambry Autosomal Dominant and X-Linked criteria (10/2015). Collection method: clinical testing. Allele origin: germline. Observed: 1 variant allele.

NM_001042492.3(NF1):c.4860T>C (p.Gly1620=)

Gene: NF1 (neurofibromin 1; plus strand). Cytogenetic location: 17q11.2.
Variant type: single nucleotide variant.
Coding change: c.4860T>C on transcript NM_001042492.3 (MANE Select); coding-DNA position 4860, T replaced by C.
Protein change: p.Gly1620=; no amino-acid change (glycine 1620 retained).
Molecular consequence: synonymous variant.
Genome position (GRCh38, 1-based): chr17:31,325,844, T>C. VCF-style: chr17-31325844-T-C. GRCh37 (hg19) VCF-style: chr17-29652862-T-C.
Other names: c.4797T>C, p.Gly1599= (NM_000267.4).
Identifiers: ClinVar variation 221100 (VCV000221100.17), dbSNP rs864622747, ClinGen allele CA348110.